The following is an entry in ClinVar:

NM_004329.3(BMPR1A):c.1505A>G (p.Glu502Gly)

Gene: BMPR1A (bone morphogenetic protein receptor type 1A; plus strand). Cytogenetic location: 10q23.2.
Variant type: single nucleotide variant.
Coding change: c.1505A>G on transcript NM_004329.3 (MANE Select); coding-DNA position 1505, A replaced by G.
Protein change: p.Glu502Gly; replaces glutamic acid 502 with glycine.
Molecular consequence: missense variant. On other transcripts: non-coding transcript variant (3).
Genome position (GRCh38, 1-based): chr10:86,923,625, A>G. VCF-style: chr10-86923625-A-G. GRCh37 (hg19) VCF-style: chr10-88683382-A-G.
Other names: c.1580A>G, p.Glu527Gly (NM_001406559.1); c.1553A>G, p.Glu518Gly (NM_001406560.1); c.1505A>G, p.Glu502Gly (NM_001406561.1, NM_001406562.1, NM_001406563.1 and 19 more transcripts); c.1499A>G, p.Glu500Gly (NM_001406583.1); c.1421A>G, p.Glu474Gly (NM_001406584.1, NM_001406585.1, NM_001406586.1 and 2 more transcripts); c.1163A>G, p.Glu388Gly (NM_001406589.1); short protein forms E474G, E500G, E388G, E502G, E527G, E518G.
Identifiers: ClinVar variation 2774820 (VCV002774820.2), dbSNP rs112603659, ClinGen allele CA211211768.

ClinVar aggregate classification (germline): Uncertain significance (1 of 4 stars; one submission).

Conditions:
Hereditary cancer-predisposing syndrome. Also called: Neoplastic Syndromes, Hereditary; Tumor predisposition; Hereditary Cancer Syndrome; Hereditary neoplastic syndrome. Identifiers: Orphanet 140162, MedGen C0027672, MeSH D009386, MONDO:0015356.

Allele frequency attached by ClinVar (database versions not stated): gnomAD exomes below 0.00001.
gnomAD v4.1: 1 of 1,614,236 alleles (0.000062%); highest among the groups gnomAD compares: Non-Finnish European, 0.000085%; no homozygotes.

Submission:

Color Diagnostics, LLC DBA Color Health
Classification: Uncertain significance for Hereditary cancer-predisposing syndrome. Last evaluated: 2023-12-27. Review status: criteria provided, single submitter. Criteria: ACMG Guidelines, 2015. Collection method: clinical testing. Allele origin: germline.
Comment: This missense variant replaces glutamic acid with glycine at codon 502 of the BMPR1A protein. Computational prediction suggests that this variant may have deleterious impact on protein structure and function (internally defined REVEL score threshold >= 0.7, PMID: 27666373). To our knowledge, functional studies have not been reported for this variant. This variant has not been reported in individuals affected with BMPR1A-related disorders in the literature. This variant has not been identified in the general population by the Genome Aggregation Database (gnomAD). The available evidence is insufficient to determine the role of this variant in disease conclusively. Therefore, this variant is classified as a Variant of Uncertain Significance.